The following is an entry in ClinVar:

ClinVar aggregate classification (germline): Uncertain significance (1 of 4 stars; one submission).

Allele frequency attached by ClinVar (database versions not stated): gnomAD exomes below 0.00001.
gnomAD v4.1: 1 of 1,613,938 alleles (0.000062%); highest among the groups gnomAD compares: Non-Finnish European, 0.000085%; no homozygotes.

Submission:

Labcorp Genetics (formerly Invitae), Labcorp
Classification: Uncertain significance. Last evaluated: 2025-03-17. Review status: criteria provided, single submitter. Criteria: Invitae Variant Classification Sherloc (09022015). Collection method: clinical testing. Allele origin: germline.
Comment: This sequence change replaces glutamine, which is neutral and polar, with arginine, which is basic and polar, at codon 1565 of the CCDC88C protein (p.Gln1565Arg). This variant is not present in population databases (gnomAD no frequency). This variant has not been reported in the literature in individuals affected with CCDC88C-related conditions. ClinVar contains an entry for this variant (Variation ID: 1938874). An algorithm developed to predict the effect of missense changes on protein structure and function (PolyPhen-2) suggests that this variant is likely to be tolerated. In summary, the available evidence is currently insufficient to determine the role of this variant in disease. Therefore, it has been classified as a Variant of Uncertain Significance.

NM_001080414.4(CCDC88C):c.4694A>G (p.Gln1565Arg)

Gene: CCDC88C (coiled-coil and HOOK domain protein 88C; minus strand). Cytogenetic location: 14q32.11.
Variant type: single nucleotide variant.
Coding change: c.4694A>G on transcript NM_001080414.4 (MANE Select); coding-DNA position 4694, A replaced by G.
Protein change: p.Gln1565Arg; replaces glutamine 1565 with arginine.
Molecular consequence: missense variant.
Genome position (GRCh38, 1-based): chr14:91,281,462, T>C on the plus strand (A>G on the coding strand, the complement: CCDC88C is on the minus strand). VCF-style: chr14-91281462-T-C. GRCh37 (hg19) VCF-style: chr14-91747806-T-C.
Other names: short protein forms Q1565R.
Identifiers: ClinVar variation 1938874 (VCV001938874.5), dbSNP rs2544262478, ClinGen allele CA390613190.